The following is an entry in ClinVar:

ClinVar aggregate classification (germline): Likely benign. Review status: criteria provided, multiple submitters, no conflicts (2 of 4 stars). 2 submissions from 2 submitters: Likely benign (2). Last evaluated 2025-10-22.

Allele frequency attached by ClinVar (database versions not stated): gnomAD exomes 0.00001; ExAC 0.00002.

Submissions (2):

Labcorp Genetics (formerly Invitae), Labcorp
Classification: Likely benign. Last evaluated: 2025-10-22. Review status: criteria provided, single submitter. Criteria: Invitae Variant Classification Sherloc (09022015). Collection method: clinical testing. Allele origin: germline.

CeGaT Center for Human Genetics Tuebingen
Classification: Likely benign. Last evaluated: 2022-08-01. Review status: criteria provided, single submitter. Criteria: CeGaT Center For Human Genetics Tuebingen Variant Classification Criteria Version 2. Collection method: clinical testing. Allele origin: germline. Affected: yes. Observed: 1 variant allele.
Comment: MOCS2: BP4, BP7

NM_004531.5(MOCS2):c.471T>G (p.Thr157=)

Gene: MOCS2 (molybdenum cofactor synthesis 2; minus strand). Cytogenetic location: 5q11.2.
Variant type: single nucleotide variant.
Coding change: c.471T>G on transcript NM_004531.5 (MANE Select); coding-DNA position 471, T replaced by G.
Protein change: p.Thr157=; no amino-acid change (threonine 157 retained).
Molecular consequence: synonymous variant. On other transcripts: 3 prime UTR variant (1).
Genome position (GRCh38, 1-based): chr5:53,100,441, A>C on the plus strand (T>G on the coding strand, the complement: MOCS2 is on the minus strand). VCF-style: chr5-53100441-A-C. GRCh37 (hg19) VCF-style: chr5-52396271-A-C.
Other names: c.*391T>G (NM_176806.4).
Identifiers: ClinVar variation 1620261 (VCV001620261.31), dbSNP rs752882056, ClinGen allele CA3263609.